The following is an entry in ClinVar:

ClinVar aggregate classification (germline): Uncertain significance. Review status: criteria provided, multiple submitters, no conflicts (2 of 4 stars). 12 submissions from 11 submitters: Uncertain significance (11). 1 of the submissions does not count toward it. Last evaluated 2025-07-30.

Conditions:
USH2A-related disorder. Also called: USH2A-related disorders; USH2A-related condition. Identifiers: MedGen CN239332.
Retinal dystrophy. Also called: Inherited retinal dystrophy. Identifiers: Orphanet 71862, MedGen C0854723, MeSH D058499, MONDO:0019118, HP:0000556.
Usher syndrome type 2A. Also called: RETINAL DISEASE IN USHER SYNDROME TYPE IIA, MODIFIER OF; USHER SYNDROME, TYPE IIA. Identifiers: Orphanet 231178, Orphanet 886, MedGen C1848634, MONDO:0010169, OMIM 276901.
Retinitis pigmentosa 39 (RP39). Identifiers: Orphanet 791, MedGen C3151138, MONDO:0013436, OMIM 613809.

Allele frequency attached by ClinVar (database versions not stated): gnomAD exomes 0.00004 and 0.00005; gnomAD 0.00005 and 0.00006; TOPMed 0.00005; ExAC 0.00007; ESP Exome Variant Server 0.00015.
gnomAD v4.1: 66 of 1,614,022 alleles (0.0041%); highest among the groups gnomAD compares: Admixed American, 0.02%; no homozygotes.

Submissions (12):

3billion
Classification: Uncertain significance for Usher syndrome type 2A. Last evaluated: 2025-07-30. Review status: criteria provided, single submitter. Criteria: ACMG Guidelines, 2015. Collection method: clinical testing. Allele origin: germline. Affected: yes.
Comment: The variant is observed at an extremely low frequency in the gnomAD v4.1.0 dataset (total allele frequency: 0.004%). Predicted Consequence/Location: Missense variant Damaging effect on gene or gene product predicted by in silico programs is uncertain [REVEL: 0.43 (damaging >=0.6, benign <0.4), 3Cnet: 0.58 (damaging >0.75, benign <0.1)]. The variant has been reported as of uncertain significance (ClinVar ID: VCV000048586; PMID: 30245029; 3billion dataset). Therefore, this variant is classified as VUS according to the recommendation of ACMG/AMP guideline.

Labcorp Genetics (formerly Invitae), Labcorp
Classification: Uncertain significance. Last evaluated: 2025-05-26. Review status: criteria provided, single submitter. Criteria: Invitae Variant Classification Sherloc (09022015). Collection method: clinical testing. Allele origin: germline.
Comment: This sequence change replaces asparagine, which is neutral and polar, with serine, which is neutral and polar, at codon 2560 of the USH2A protein (p.Asn2560Ser). This variant is present in population databases (rs370155266, gnomAD 0.02%). This variant has not been reported in the literature in individuals affected with USH2A-related conditions. ClinVar contains an entry for this variant (Variation ID: 48586). Invitae Evidence Modeling of protein sequence and biophysical properties (such as structural, functional, and spatial information, amino acid conservation, physicochemical variation, residue mobility, and thermodynamic stability) has been performed for this missense variant. However, the output from this modeling did not meet the statistical confidence thresholds required to predict the impact of this variant on USH2A protein function. In summary, the available evidence is currently insufficient to determine the role of this variant in disease. Therefore, it has been classified as a Variant of Uncertain Significance.

PreventionGenetics, part of Exact Sciences
Classification: Uncertain significance for USH2A-related condition. Last evaluated: 2024-10-28. Review status: criteria provided, single submitter. Criteria: ACMG Guidelines, 2015. Collection method: clinical testing. Allele origin: germline.
Comment: The USH2A c.7679A>G variant is predicted to result in the amino acid substitution p.Asn2560Ser. This variant was reported in an individual with Usher syndrome 2a (Table S3, Azaiez et al. 2018. PubMed ID: 30245029). This variant is reported in 0.014% of alleles in individuals of Latino descent in gnomAD and is interpreted as uncertain in ClinVar. At this time, the clinical significance of this variant is uncertain due to the absence of conclusive functional and genetic evidence.

Genome-Nilou Lab
Classification: Uncertain significance for Retinitis pigmentosa 39. Last evaluated: 2023-11-04. Review status: criteria provided, single submitter. Criteria: ACMG Guidelines, 2015. Collection method: clinical testing. Allele origin: germline. Affected: no.

Genome-Nilou Lab
Classification: Uncertain significance for Usher syndrome type 2A. Last evaluated: 2023-11-04. Review status: criteria provided, single submitter. Criteria: ACMG Guidelines, 2015. Collection method: clinical testing. Allele origin: germline. Affected: no.

Dept Of Ophthalmology, Nagoya University
Classification: Uncertain significance for Retinal dystrophy. Last evaluated: 2023-10-01. Review status: criteria provided, single submitter. Criteria: Submitter's publication. Collection method: research. Allele origin: germline. Affected: yes.

Blueprint Genetics
Classification: Uncertain significance. Last evaluated: 2022-09-06. Review status: criteria provided, single submitter. Criteria: ACMG Guidelines, 2015. Collection method: clinical testing. Allele origin: germline.

Fulgent Genetics
Classification: Uncertain significance for Usher syndrome type 2A; Retinitis pigmentosa 39. Last evaluated: 2021-11-04. Review status: criteria provided, single submitter. Criteria: ACMG Guidelines, 2015. Collection method: clinical testing. Allele origin: unknown.

Centre for Mendelian Genomics, University Medical Centre Ljubljana
Classification: Uncertain significance for Usher syndrome type 2A. Last evaluated: 2019-03-04. Review status: criteria provided, single submitter. Criteria: ACMG Guidelines, 2015. Collection method: clinical testing. Allele origin: unknown. Affected: yes.
Comment: This variant was classified as: Uncertain significance. The following ACMG criteria were applied in classifying this variant: PM2,PP3.

Eurofins Ntd Llc (ga)
Classification: Uncertain significance. Last evaluated: 2014-02-18. Review status: criteria provided, single submitter. Criteria: EGL Classification Definitions 2015. Collection method: clinical testing. Allele origin: germline. Observed: 1 variant allele, 1 heterozygote.

Laboratory for Molecular Medicine, Mass General Brigham Personalized Medicine
Classification: Uncertain significance. Last evaluated: 2012-12-19. Review status: criteria provided, single submitter. Criteria: LMM Criteria. Collection method: clinical testing. Allele origin: germline. Observed: 1 variant allele.
Comment: Variant classified as Uncertain Significance - Favor Benign. The Asn2560Ser vari ant in USH2A has not been reported in the literature nor previously identified b y our laboratory. Computational analyses (biochemical amino acid properties, con servation, AlignGVGD, PolyPhen2, and SIFT) does not provide strong evidence for or against pathogenicity. This variant has been identified in 0.01% (1/8600) of European American chromosomes and 0.02% (1/4406) of African American chromosomes in a broad population by the NHLBI Exome sequencing project, however this frequency is not high enough to rule out pathogen icity. In summary, additional data is needed to determine the clinical significa nce of this variant.

Natera, Inc.
Classification: Uncertain significance for Usher syndrome type 2A. Last evaluated: 2020-09-16. Review status: no assertion criteria provided. Collection method: clinical testing. Allele origin: germline. Not counted in ClinVar's aggregate classification.

NM_206933.4(USH2A):c.7679A>G (p.Asn2560Ser)

Gene: USH2A (usherin; minus strand). Cytogenetic location: 1q41.
Variant type: single nucleotide variant.
Coding change: c.7679A>G on transcript NM_206933.4 (MANE Select); coding-DNA position 7679, A replaced by G.
Protein change: p.Asn2560Ser; replaces asparagine 2560 with serine.
Molecular consequence: missense variant.
Genome position (GRCh38, 1-based): chr1:215,888,970, T>C on the plus strand (A>G on the coding strand, the complement: USH2A is on the minus strand). VCF-style: chr1-215888970-T-C. GRCh37 (hg19) VCF-style: chr1-216062312-T-C.
Other names: short protein forms N2560S.
Identifiers: ClinVar variation 48586 (VCV000048586.21), dbSNP rs370155266, ClinGen allele CA143601.
Genomic context (GRCh38, chr1:215,888,970, plus strand): 5'-CCAGGAGTTCTCAAGTATAGACGGCCATGTAGATAAATGTTATAATGGGTAATAACCCCA[T>C]TGGATTTTCTAGGATGCTGCCAGGTGACCAACATCATTCTTGACTTCACATCCAGAAGAA-3'
Protein context (NP_996816.3, residues 2550-2570): LVTWQHPRKS[Asn2560Ser]GVITHYNIYL